The following is an entry in ClinVar:

ClinVar aggregate classification (germline): Uncertain significance (1 of 4 stars; one submission).

Conditions:
Cardiovascular phenotype. Identifiers: MedGen CN230736.

Submission:

Ambry Genetics
Classification: Uncertain significance for Cardiovascular phenotype. Last evaluated: 2017-12-20. Review status: criteria provided, single submitter. Criteria: Ambry Variant Classification Scheme 2023. Collection method: clinical testing. Allele origin: germline.
Comment: The p.F463Y variant (also known as c.1388T>A), located in coding exon 15 of the RYR2 gene, results from a T to A substitution at nucleotide position 1388. The phenylalanine at codon 463 is replaced by tyrosine, an amino acid with highly similar properties. This amino acid position is highly conserved in available vertebrate species. In addition, the in silico prediction for this alteration is inconclusive. Since supporting evidence is limited at this time, the clinical significance of this alteration remains unclear.

NM_001035.3(RYR2):c.1388T>A (p.Phe463Tyr)

Gene: RYR2 (ryanodine receptor 2; plus strand). Cytogenetic location: 1q43.
Variant type: single nucleotide variant.
Coding change: c.1388T>A on transcript NM_001035.3 (MANE Select); coding-DNA position 1388, T replaced by A.
Protein change: p.Phe463Tyr; replaces phenylalanine 463 with tyrosine.
Molecular consequence: missense variant.
Genome position (GRCh38, 1-based): chr1:237,454,486, T>A. VCF-style: chr1-237454486-T-A. GRCh37 (hg19) VCF-style: chr1-237617786-T-A.
Other names: short protein forms F463Y.
Identifiers: ClinVar variation 1771463 (VCV001771463.2), dbSNP rs2528524245, ClinGen allele CA345380395.